The following is an entry in ClinVar:

ClinVar aggregate classification (germline): Uncertain significance (1 of 4 stars; one submission).

Allele frequency attached by ClinVar (database versions not stated): gnomAD exomes 0.00001; ExAC 0.00003; TOPMed 0.00003.
gnomAD v4.1: 5 of 1,614,248 alleles (0.00031%); highest among the groups gnomAD compares: Admixed American, 0.0067%; no homozygotes.

Submission:

Labcorp Genetics (formerly Invitae), Labcorp
Classification: Uncertain significance. Last evaluated: 2024-08-14. Review status: criteria provided, single submitter. Criteria: Invitae Variant Classification Sherloc (09022015). Collection method: clinical testing. Allele origin: germline.
Comment: This sequence change replaces serine, which is neutral and polar, with asparagine, which is neutral and polar, at codon 442 of the DUOX2 protein (p.Ser442Asn). This variant is present in population databases (rs751971675, gnomAD 0.009%). This variant has not been reported in the literature in individuals affected with DUOX2-related conditions. ClinVar contains an entry for this variant (Variation ID: 1508443). Invitae Evidence Modeling of protein sequence and biophysical properties (such as structural, functional, and spatial information, amino acid conservation, physicochemical variation, residue mobility, and thermodynamic stability) indicates that this missense variant is not expected to disrupt DUOX2 protein function with a negative predictive value of 80%. In summary, the available evidence is currently insufficient to determine the role of this variant in disease. Therefore, it has been classified as a Variant of Uncertain Significance.

NM_001363711.2(DUOX2):c.1325G>A (p.Ser442Asn)

Gene: DUOX2 (dual oxidase 2; minus strand). Cytogenetic location: 15q21.1.
Variant type: single nucleotide variant.
Coding change: c.1325G>A on transcript NM_001363711.2 (MANE Select); coding-DNA position 1325, G replaced by A.
Protein change: p.Ser442Asn; replaces serine 442 with asparagine.
Molecular consequence: missense variant.
Genome position (GRCh38, 1-based): chr15:45,108,862, C>T on the plus strand (G>A on the coding strand, the complement: DUOX2 is on the minus strand). VCF-style: chr15-45108862-C-T. GRCh37 (hg19) VCF-style: chr15-45401060-C-T.
Other names: c.1325G>A, p.Ser442Asn (NM_014080.5); short protein forms S442N.
Identifiers: ClinVar variation 1508443 (VCV001508443.8), dbSNP rs751971675, ClinGen allele CA7538655.